The following is an entry in ClinVar:

ClinVar aggregate classification (germline): Uncertain significance. Review status: criteria provided, multiple submitters, no conflicts (2 of 4 stars). 3 submissions from 3 submitters: Uncertain significance (3). Last evaluated 2024-11-26.

Conditions:
Hereditary cancer-predisposing syndrome. Also called: Tumor predisposition; Hereditary neoplastic syndrome; Hereditary Cancer Syndrome; Neoplastic Syndromes, Hereditary. Identifiers: Orphanet 140162, MedGen C0027672, MeSH D009386, MONDO:0015356.
Familial adenomatous polyposis 1 (FAP1). Also called: POLYPOSIS, ADENOMATOUS INTESTINAL; FAMILIAL ADENOMATOUS POLYPOSIS 1, ATTENUATED. Identifiers: MedGen C2713442, MONDO:0021056, OMIM 175100. Disease mechanism: loss of function.

Submissions (3):

Ambry Genetics
Classification: Uncertain significance for Hereditary cancer-predisposing syndrome. Last evaluated: 2024-11-26. Review status: criteria provided, single submitter. Criteria: Ambry Variant Classification Scheme 2023. Collection method: clinical testing. Allele origin: germline.
Comment: The p.I606M variant (also known as c.1818A>G), located in coding exon 14 of the APC gene, results from an A to G substitution at nucleotide position 1818. The isoleucine at codon 606 is replaced by methionine, an amino acid with highly similar properties. This amino acid position is conserved. In addition, in silico predictors for this gene do not accurately predict pathogenicity. Based on the available evidence, the clinical significance of this variant remains unclear.

GeneDx
Classification: Uncertain significance. Last evaluated: 2023-03-28. Review status: criteria provided, single submitter. Criteria: GeneDx Variant Classification Process June 2021. Collection method: clinical testing. Allele origin: germline. Affected: yes.
Comment: Not observed at significant frequency in large population cohorts (gnomAD); In silico analysis supports that this missense variant has a deleterious effect on protein structure/function; Has not been previously published as pathogenic or benign to our knowledge; This variant is associated with the following publications: (PMID: 18199528)

Labcorp Genetics (formerly Invitae), Labcorp
Classification: Uncertain significance for Familial adenomatous polyposis 1. Last evaluated: 2022-02-20. Review status: criteria provided, single submitter. Criteria: Invitae Variant Classification Sherloc (09022015). Collection method: clinical testing. Allele origin: germline.
Comment: In summary, the available evidence is currently insufficient to determine the role of this variant in disease. Therefore, it has been classified as a Variant of Uncertain Significance. Algorithms developed to predict the effect of missense changes on protein structure and function are either unavailable or do not agree on the potential impact of this missense change (SIFT: "Deleterious"; PolyPhen-2: "Possibly Damaging"; Align-GVGD: "Class C0"). ClinVar contains an entry for this variant (Variation ID: 1051324). This variant has not been reported in the literature in individuals affected with APC-related conditions. This variant is not present in population databases (gnomAD no frequency). This sequence change replaces isoleucine, which is neutral and non-polar, with methionine, which is neutral and non-polar, at codon 606 of the APC protein (p.Ile606Met).

NM_000038.6(APC):c.1818A>G (p.Ile606Met)

Gene: APC (APC regulator of Wnt signaling pathway; plus strand). Cytogenetic location: 5q22.2.
Variant type: single nucleotide variant.
Coding change: c.1818A>G on transcript NM_000038.6 (MANE Select); coding-DNA position 1818, A replaced by G.
Protein change: p.Ile606Met; replaces isoleucine 606 with methionine.
Molecular consequence: missense variant.
Genome position (GRCh38, 1-based): chr5:112,835,025, A>G. VCF-style: chr5-112835025-A-G. GRCh37 (hg19) VCF-style: chr5-112170722-A-G.
Other names: c.1818A>G, p.Ile606Met (NM_001127510.3, NM_001354895.2); c.1764A>G, p.Ile588Met (NM_001127511.3); c.1872A>G, p.Ile624Met (NM_001354896.2); c.1848A>G, p.Ile616Met (NM_001354897.2); c.1743A>G, p.Ile581Met (NM_001354898.2); c.1734A>G, p.Ile578Met (NM_001354899.2); c.1695A>G, p.Ile565Met (NM_001354900.2); c.1641A>G, p.Ile547Met (NM_001354901.2); and 6 more; short protein forms I323M, I446M, I480M, I505M, I515M, I547M, I565M, I578M.
Identifiers: ClinVar variation 1051324 (VCV001051324.11), dbSNP rs2149841938, ClinGen allele CA16025300.
Genomic context (GRCh38, chr5:112,835,025, plus strand): 5'-AAGCGTATTGAGTGCCTTATGGAATTTGTCAGCACATTGCACTGAGAATAAAGCTGATAT[A>G]TGTGCTGTAGATGGTGCACTTGCATTTTTGGTTGGCACTCTTACTTACCGGAGCCAGACA-3'
Protein context (NP_000029.2, residues 596-616): SAHCTENKAD[Ile606Met]CAVDGALAFL